The following is an entry in ClinVar:

ClinVar aggregate classification (germline): Uncertain significance (1 of 4 stars; one submission).

Submission:

Labcorp Genetics (formerly Invitae), Labcorp
Classification: Uncertain significance. Last evaluated: 2024-10-11. Review status: criteria provided, single submitter. Criteria: Invitae Variant Classification Sherloc (09022015). Collection method: clinical testing. Allele origin: germline.
Comment: This sequence change replaces glycine, which is neutral and non-polar, with aspartic acid, which is acidic and polar, at codon 18 of the KLF1 protein (p.Gly18Asp). This variant is not present in population databases (gnomAD no frequency). This variant has not been reported in the literature in individuals affected with KLF1-related conditions. Invitae Evidence Modeling of protein sequence and biophysical properties (such as structural, functional, and spatial information, amino acid conservation, physicochemical variation, residue mobility, and thermodynamic stability) indicates that this missense variant is not expected to disrupt KLF1 protein function with a negative predictive value of 80%. In summary, the available evidence is currently insufficient to determine the role of this variant in disease. Therefore, it has been classified as a Variant of Uncertain Significance.

NM_006563.5(KLF1):c.53G>A (p.Gly18Asp)

Genes: KLF1 (KLF transcription factor 1; minus strand), LOC117125592 (CRISPRi-FlowFISH-validated CALR, DHPS, JUNB, PRDX2, RAD23A, RNASEH2A and WDR83OS regulatory element; plus strand). Cytogenetic location: 19p13.13.
Variant type: single nucleotide variant.
Coding change: c.53G>A on transcript NM_006563.5 (MANE Select); coding-DNA position 53, G replaced by A.
Protein change: p.Gly18Asp; replaces glycine 18 with aspartic acid.
Molecular consequence: missense variant.
Genome position (GRCh38, 1-based): chr19:12,887,088, C>T on the plus strand (G>A on the coding strand, the complement: KLF1 is on the minus strand). VCF-style: chr19-12887088-C-T. GRCh37 (hg19) VCF-style: chr19-12997902-C-T.
Other names: short protein forms G18D.
Identifiers: ClinVar variation 3680759 (VCV003680759.2).